The following continues an entry in ClinVar:

NM_000257.4(MYH7):c.4210G>A (p.Val1404Met)

Gene: MYH7. ClinVar aggregate classification (germline): Uncertain significance. Uncertain significance (1).

Submissions 9 to 18 of 18:

CHEO Genetics Diagnostic Laboratory, Children's Hospital of Eastern Ontario
Classification: Uncertain significance for Cardiomyopathy. Last evaluated: 2023-03-29. Review status: criteria provided, single submitter. Criteria: ACMG Guidelines, 2015. Collection method: clinical testing. Allele origin: germline. Not counted in ClinVar's aggregate classification.

GeneDx
Classification: Uncertain significance. Last evaluated: 2023-02-24. Review status: criteria provided, single submitter. Criteria: GeneDx Variant Classification Process June 2021. Collection method: clinical testing. Allele origin: germline. Affected: yes. Not counted in ClinVar's aggregate classification.
Comment: Reported in association with HCM and DCM in published literature (Wang et al., 2014; van Lint et al., 2019; Verdonschot et al., 2020); In silico analysis supports that this missense variant does not alter protein structure/function; This variant is associated with the following publications: (PMID: 24215330, 34542152, 35653365, 30847666, 32880476, 25132132)

Genetics and Molecular Pathology, SA Pathology
Classification: Uncertain significance for Hypertrophic cardiomyopathy 1. Last evaluated: 2021-07-21. Review status: criteria provided, single submitter. Criteria: ACMG Guidelines, 2015. Collection method: clinical testing. Allele origin: germline. Affected: yes. Not counted in ClinVar's aggregate classification.

AiLife Diagnostics
Classification: Uncertain significance. Last evaluated: 2021-06-29. Review status: criteria provided, single submitter. Criteria: ACMG Guidelines, 2015. Collection method: clinical testing. Allele origin: germline. Affected: yes. Observed: 1 variant allele. Not counted in ClinVar's aggregate classification.

Ambry Genetics
Classification: Uncertain significance for Cardiovascular phenotype. Last evaluated: 2021-02-10. Review status: criteria provided, single submitter. Criteria: Ambry Variant Classification Scheme 2023. Collection method: clinical testing. Allele origin: germline. Not counted in ClinVar's aggregate classification.

Laboratory for Molecular Medicine, Mass General Brigham Personalized Medicine
Classification: Uncertain significance for Primary dilated cardiomyopathy. Last evaluated: 2019-04-05. Review status: criteria provided, single submitter. Criteria: ACMG Guidelines, 2015. Collection method: clinical testing. Allele origin: germline. Not counted in ClinVar's aggregate classification.
Comment: The p.Val1404Met variant in MYH7 has been reported in 1 individual with HCM (Wang 2014), and one with an unspecified mitochondrial disorder, but was also seen in this individual's unaffected father (DaRe 2013). This variant has been identified in 2/66696 MYH7 chromosomes by the Exome Aggregation Consortium (ExAC; dbSNP rs371552806). Clinvar: VUS (GeneDx, Invitae). Computational prediction tools and conservation analysis suggest that the p.Val1404Met variant may impact the protein, though this information is not predictive enough to determine pathogenicity. In summary, the clinical significance of the p.Val1404Met variant is uncertain.

Neuberg Centre For Genomic Medicine, NCGM
Classification: Uncertain significance for Dilated cardiomyopathy 1S. Review status: criteria provided, single submitter. Criteria: ACMG Guidelines, 2015. Collection method: clinical testing. Allele origin: germline. Inheritance: Autosomal dominant inheritance. Affected: yes. Not counted in ClinVar's aggregate classification.
Comment: The observed missense c.4210G>A(p.Val1404Met) variant in MYH7 gene has been reported previously in individuals affected with cardiomyopathy (Verdonschot JAJ, et al., 2020; Wang J, et al., 2014). The p.Val1404Met variant has been reported with allele frequency of 0.003% in gnomAD Exomes. This variant has been submitted to the ClinVar database as Uncertain Significance (multiple submissions). The amino acid change p.Val1404Met in MYH7 is predicted as conserved by GERP++ and PhyloP across 100 vertebrates. The amino acid Val at position 1404 is changed to a Met changing protein sequence and it might alter its composition and physico-chemical properties. However, additional functional studies will be required to prove the pathogenicity of this variant. For these reasons, this variant has been classified as a Variant of Uncertain Significance (VUS).

Clinical Genetics DNA and cytogenetics Diagnostics Lab, Erasmus MC, Erasmus Medical Center
Classification: Uncertain significance. Review status: no assertion criteria provided. Collection method: clinical testing. Allele origin: germline. Affected: yes. Study: VKGL Data-share Consensus. Not counted in ClinVar's aggregate classification.

Clinical Genetics, Academic Medical Center
Classification: Uncertain significance. Review status: no assertion criteria provided. Collection method: clinical testing. Allele origin: germline. Affected: yes. Study: VKGL Data-share Consensus. Not counted in ClinVar's aggregate classification.

Joint Genome Diagnostic Labs from Nijmegen and Maastricht, Radboudumc and MUMC+
Classification: Uncertain significance. Review status: no assertion criteria provided. Collection method: clinical testing. Allele origin: germline. Affected: yes. Study: VKGL Data-share Consensus. Not counted in ClinVar's aggregate classification.

Literature cited by the submitters: PubMed 25132132 (cited by 6 submitters); PubMed 27247418 (cited by Labcorp Genetics (formerly Invitae), Labcorp and Victorian Clinical Genetics Services, Murdoch Childrens Research Institute); PubMed 30847666 (cited by 4 submitters); PubMed 32880476 (cited by 5 submitters); PubMed 37904629 (cited by 3 submitters); PubMed 24215330 (cited by Victorian Clinical Genetics Services, Murdoch Childrens Research Institute and Laboratory for Molecular Medicine, Mass General Brigham Personalized Medicine); PubMed 24714796 (cited by Victorian Clinical Genetics Services, Murdoch Childrens Research Institute); PubMed 29300372 (cited by Victorian Clinical Genetics Services, Murdoch Childrens Research Institute); PubMed 29687901 (cited by Victorian Clinical Genetics Services, Murdoch Childrens Research Institute).